The following is an entry in ClinVar:

ClinVar aggregate classification (germline): Uncertain significance (1 of 4 stars; one submission).

Submission:

GeneDx
Classification: Uncertain significance. Last evaluated: 2026-03-31. Review status: criteria provided, single submitter. Criteria: GeneDx Variant Classification Process June 2021. Collection method: clinical testing. Allele origin: germline.
Comment: Not observed at significant frequency in large population cohorts (gnomAD); In silico analysis supports that this missense variant has a deleterious effect on protein structure/function; Has not been previously published as pathogenic or benign to our knowledge

NM_000540.3(RYR1):c.11347A>G (p.Ser3783Gly)

Gene: RYR1 (ryanodine receptor 1; plus strand). Cytogenetic location: 19q13.2.
Variant type: single nucleotide variant.
Coding change: c.11347A>G on transcript NM_000540.3 (MANE Select); coding-DNA position 11347, A replaced by G.
Protein change: p.Ser3783Gly; replaces serine 3783 with glycine.
Molecular consequence: missense variant.
Genome position (GRCh38, 1-based): chr19:38,534,807, A>G. VCF-style: chr19-38534807-A-G. GRCh37 (hg19) VCF-style: chr19-39025447-A-G.
Other names: c.11332A>G, p.Ser3778Gly (NM_001042723.2); short protein forms S3778G, S3783G.
Identifiers: ClinVar variation 5017740 (VCV005017740.1).